The following is an entry in ClinVar:

NM_003743.5(NCOA1):c.2316G>C (p.Lys772Asn)

Gene: NCOA1 (nuclear receptor coactivator 1; plus strand). Cytogenetic location: 2p23.3.
Variant type: single nucleotide variant.
Coding change: c.2316G>C on transcript NM_003743.5 (MANE Select); coding-DNA position 2316, G replaced by C.
Protein change: p.Lys772Asn; replaces lysine 772 with asparagine.
Molecular consequence: missense variant.
Genome position (GRCh38, 1-based): chr2:24,707,786, G>C. VCF-style: chr2-24707786-G-C. GRCh37 (hg19) VCF-style: chr2-24930655-G-C.
Other names: c.2316G>C, p.Lys772Asn (NM_001362950.1, NM_001362952.1, NM_001362954.1 and 3 more transcripts); short protein forms K772N.
Identifiers: ClinVar variation 5001719 (VCV005001719.1).

ClinVar aggregate classification (germline): Uncertain significance (1 of 4 stars; one submission).

Conditions:
NCOA1-related disorder. Also called: NCOA1-related condition.

Submission:

PreventionGenetics, part of Exact Sciences
Classification: Uncertain significance for NCOA1-related condition. Last evaluated: 2025-10-01. Review status: criteria provided, single submitter. Criteria: ACMG Guidelines, 2015. Collection method: clinical testing. Allele origin: germline.
Comment: The NCOA1 c.2316G>C variant is predicted to result in the amino acid substitution p.Lys772Asn. To our knowledge, this variant has not been reported in the literature or in a large population database (gnomAD), indicating this variant is rare. At this time, the clinical significance of this variant is uncertain due to the absence of conclusive functional and genetic evidence.